The following is an entry in ClinVar:

NM_012168.6(FBXO2):c.463A>G (p.Ser155Gly)

Gene: FBXO2 (F-box protein 2; minus strand). Cytogenetic location: 1p36.22.
Variant type: single nucleotide variant.
Coding change: c.463A>G on transcript NM_012168.6 (MANE Select); coding-DNA position 463, A replaced by G.
Protein change: p.Ser155Gly; replaces serine 155 with glycine.
Molecular consequence: missense variant.
Genome position (GRCh38, 1-based): chr1:11,650,003, T>C on the plus strand (A>G on the coding strand, the complement: FBXO2 is on the minus strand). VCF-style: chr1-11650003-T-C. GRCh37 (hg19) VCF-style: chr1-11710060-T-C.
Other names: NC_000001.10:g.11710060T>C; short protein forms S155G.
Identifiers: ClinVar variation 3042053 (VCV003042053.3), dbSNP rs61731861, ClinGen allele CA592867.

ClinVar aggregate classification (germline): Likely benign (0 of 4 stars; one submission).

Conditions:
FBXO2-related disorder. Also called: FBXO2-related condition.

Allele frequency attached by ClinVar (database versions not stated): 1000 Genomes Project 30x 0.00172; 1000 Genomes Project 0.00200; TOPMed 0.00257; gnomAD 0.00269; ExAC 0.00358; ESP Exome Variant Server 0.00377; gnomAD exomes 0.00447.

Submissions (6):

PreventionGenetics, part of Exact Sciences
Classification: Likely benign for FBXO2-related condition. Last evaluated: 2019-09-17. Review status: no assertion criteria provided. Collection method: clinical testing. Allele origin: germline.
Comment: This variant is classified as likely benign based on ACMG/AMP sequence variant interpretation guidelines (Richards et al. 2015 PMID: 25741868, with internal and published modifications).

Dr. Peter K. Rogan Lab, Western University
No classification provided (evidence only). Condition: Thymoma. Review status: no classification provided. Collection method: in vitro. Allele origin: not applicable. Functional consequence: retained intron. Not counted in ClinVar's aggregate classification.

Dr. Peter K. Rogan Lab, Western University
No classification provided (evidence only). Condition: Ovarian serous cystadenocarcinoma. Review status: no classification provided. Collection method: in vitro. Allele origin: not applicable. Functional consequence: retained intron. Not counted in ClinVar's aggregate classification.

Dr. Peter K. Rogan Lab, Western University
No classification provided (evidence only). Condition: Gastric cancer. Review status: no classification provided. Collection method: in vitro. Allele origin: not applicable. Functional consequence: retained intron. Not counted in ClinVar's aggregate classification.

Dr. Peter K. Rogan Lab, Western University
No classification provided (evidence only). Condition: Malignant tumor of esophagus. Review status: no classification provided. Collection method: in vitro. Allele origin: not applicable. Functional consequence: retained intron. Not counted in ClinVar's aggregate classification.

Dr. Peter K. Rogan Lab, Western University
No classification provided (evidence only). Condition: Familial cancer of breast. Review status: no classification provided. Collection method: in vitro. Allele origin: not applicable. Functional consequence: retained intron. Not counted in ClinVar's aggregate classification.